The following is an entry in ClinVar:

NM_177438.3(DICER1):c.4847A>G (p.Asn1616Ser)

Gene: DICER1 (dicer 1, ribonuclease III; minus strand). Cytogenetic location: 14q32.13.
Variant type: single nucleotide variant.
Coding change: c.4847A>G on transcript NM_177438.3 (MANE Select); coding-DNA position 4847, A replaced by G.
Protein change: p.Asn1616Ser; replaces asparagine 1616 with serine.
Molecular consequence: missense variant.
Genome position (GRCh38, 1-based): chr14:95,096,073, T>C on the plus strand (A>G on the coding strand, the complement: DICER1 is on the minus strand). VCF-style: chr14-95096073-T-C. GRCh37 (hg19) VCF-style: chr14-95562410-T-C.
Other names: c.4847A>G, p.Asn1616Ser (NM_001195573.1, NM_001271282.3, NM_001291628.2 and 1 more transcripts); short protein forms N1616S.
Identifiers: ClinVar variation 477222 (VCV000477222.12), dbSNP rs1257498722, ClinGen allele CA390866775.
Genomic context (GRCh38, chr14:95,096,073, plus strand): 5'-TCTTTCAATACAGAAGAGCGTGAACTGGCCACAGAAGCAGCAGCACAGCTCACTGAAAGG[T>C]TCTTTTGTTGGCTGTTGAAATTCTCCCGAGTAGGGCACAGGGCCTTTTCCCGATCAGTCC-3'
Protein context (NP_803187.1, residues 1606-1626): TRENFNSQQK[Asn1616Ser]LSVSCAAASV

ClinVar aggregate classification (germline): Conflicting classifications of pathogenicity. Review status: criteria provided, conflicting classifications (1 of 4 stars). 3 submissions from 3 submitters: Uncertain significance (2); Likely benign (1). Last evaluated 2025-03-31.

Conditions:
DICER1-related tumor predisposition. Also called: DICER1-related pleuropulmonary blastoma cancer predisposition syndrome; DICER1 syndrome. Identifiers: Orphanet 284343, MedGen C3839822, MONDO:0100216.
Hereditary cancer-predisposing syndrome. Also called: Tumor predisposition; Neoplastic Syndromes, Hereditary; Hereditary Cancer Syndrome; Hereditary neoplastic syndrome. Identifiers: Orphanet 140162, MedGen C0027672, MeSH D009386, MONDO:0015356.

Allele frequency attached by ClinVar (database versions not stated): gnomAD 0.00001; TOPMed 0.00001.
gnomAD v4.1: 1 of 1,614,002 alleles (0.000062%); highest among the groups gnomAD compares: Admixed American, 0.0017%; no homozygotes.

Submissions (3):

Labcorp Genetics (formerly Invitae), Labcorp
Classification: Uncertain significance for DICER1-related tumor predisposition. Last evaluated: 2025-03-31. Review status: criteria provided, single submitter. Criteria: Invitae Variant Classification Sherloc (09022015). Collection method: clinical testing. Allele origin: germline.
Comment: This sequence change replaces asparagine, which is neutral and polar, with serine, which is neutral and polar, at codon 1616 of the DICER1 protein (p.Asn1616Ser). This variant is not present in population databases (gnomAD no frequency). This variant has not been reported in the literature in individuals affected with DICER1-related conditions. ClinVar contains an entry for this variant (Variation ID: 477222). Invitae Evidence Modeling of protein sequence and biophysical properties (such as structural, functional, and spatial information, amino acid conservation, physicochemical variation, residue mobility, and thermodynamic stability) indicates that this missense variant is not expected to disrupt DICER1 protein function with a negative predictive value of 95%. In summary, the available evidence is currently insufficient to determine the role of this variant in disease. Therefore, it has been classified as a Variant of Uncertain Significance.

Ambry Genetics
Classification: Likely benign for Hereditary cancer-predisposing syndrome. Last evaluated: 2024-12-27. Review status: criteria provided, single submitter. Criteria: Ambry Variant Classification Scheme 2023. Collection method: clinical testing. Allele origin: germline.

GeneDx
Classification: Uncertain significance. Last evaluated: 2024-02-12. Review status: criteria provided, single submitter. Criteria: GeneDx Variant Classification Process June 2021. Collection method: clinical testing. Allele origin: germline. Affected: yes.
Comment: Not observed at significant frequency in large population cohorts (gnomAD); In silico analysis supports that this missense variant does not alter protein structure/function; Has not been previously published as pathogenic or benign to our knowledge